The following is an entry in ClinVar:

ClinVar aggregate classification (germline): Uncertain significance. Review status: criteria provided, multiple submitters, no conflicts (2 of 4 stars). 2 submissions from 2 submitters: Uncertain significance (2). Last evaluated 2024-05-31.

Conditions:
Multiple system atrophy 1, susceptibility to. Also called: MSA1, SUSCEPTIBILITY TO. Identifiers: MedGen C3714927, MONDO:0020715, OMIM 146500.
Coenzyme Q10 deficiency, primary, 1. Also called: UBIQUINONE DEFICIENCY 1; COENZYME Q DEFICIENCY 1; CoQ DEFICIENCY 1. Identifiers: Orphanet 255249, MedGen C3551954, MONDO:0011829, OMIM 607426.

Allele frequency attached by ClinVar (database versions not stated): gnomAD exomes below 0.00001.
gnomAD v4.1: 5 of 1,570,198 alleles (0.00032%); highest among the groups gnomAD compares: Non-Finnish European, 0.00034%; no homozygotes.

Submissions (2):

Fulgent Genetics
Classification: Uncertain significance for Multiple system atrophy 1, susceptibility to; Coenzyme Q10 deficiency, primary, 1. Last evaluated: 2024-05-31. Review status: criteria provided, single submitter. Criteria: ACMG Guidelines, 2015. Collection method: clinical testing. Allele origin: germline.

Labcorp Genetics (formerly Invitae), Labcorp
Classification: Uncertain significance. Last evaluated: 2022-01-18. Review status: criteria provided, single submitter. Criteria: Invitae Variant Classification Sherloc (09022015). Collection method: clinical testing. Allele origin: germline.
Comment: In summary, the available evidence is currently insufficient to determine the role of this variant in disease. Therefore, it has been classified as a Variant of Uncertain Significance. Algorithms developed to predict the effect of missense changes on protein structure and function are either unavailable or do not agree on the potential impact of this missense change (SIFT: "Deleterious"; PolyPhen-2: "Possibly Damaging"; Align-GVGD: "Class C0"). This variant has not been reported in the literature in individuals affected with COQ2-related conditions. This variant is not present in population databases (gnomAD no frequency). This sequence change replaces serine, which is neutral and polar, with proline, which is neutral and non-polar, at codon 40 of the COQ2 protein (p.Ser40Pro).

NM_001358921.2(COQ2):c.-33T>C

Genes: COQ2 (coenzyme Q2, polyprenyltransferase; minus strand), LOC112997540 (Sharpr-MPRA regulatory region 13773; plus strand). Cytogenetic location: 4q21.23.
Variant type: single nucleotide variant.
Coding change: c.-33T>C on transcript NM_001358921.2 (MANE Select); 33 bases upstream of the start codon, T replaced by C.
Molecular consequence: 5 prime UTR variant. On other transcripts: missense variant (1).
Genome position (GRCh38, 1-based): chr4:83,284,797, A>G on the plus strand (T>C on the coding strand, the complement: COQ2 is on the minus strand). VCF-style: chr4-83284797-A-G. GRCh37 (hg19) VCF-style: chr4-84205950-A-G.
Other names: c.118T>C, p.Ser40Pro (NM_015697.9); c.118T>C (NM_015697.8); short protein forms S40P.
Identifiers: ClinVar variation 1991422 (VCV001991422.3), dbSNP rs1167939334, ClinGen allele CA357231313.
Genomic context (GRCh38, chr4:83,284,797, plus strand): 5'-CGAACCCCGCGGCTCGCGAGCCCAGCATGGCGCTGGTGAGGCCGGGACGAGCTCGGATTG[A>G]CGTCATTCCCCGGCAGGCATGCGCAGTGGCACCCGCAGGATGCAATCCTAGTCTGCCAGG-3'